The following is an entry in ClinVar:

NM_133510.4(RAD51B):c.452G>T (p.Arg151Ile)

Gene: RAD51B (RAD51 paralog B; plus strand). Cytogenetic location: 14q24.1.
Variant type: single nucleotide variant.
Coding change: c.452G>T on transcript NM_133510.4 (MANE Select); coding-DNA position 452, G replaced by T.
Protein change: p.Arg151Ile; replaces arginine 151 with isoleucine.
Molecular consequence: missense variant.
Genome position (GRCh38, 1-based): chr14:67,865,139, G>T. VCF-style: chr14-67865139-G-T. GRCh37 (hg19) VCF-style: chr14-68331856-G-T.
Other names: c.452G>T, p.Arg151Ile (NM_001321809.2, NM_001321810.2, NM_001321812.1 and 6 more transcripts); c.338G>T, p.Arg113Ile (NM_001321815.1); c.95G>T, p.Arg32Ile (NM_001321817.2); short protein forms R113I, R151I, R32I.
Identifiers: ClinVar variation 4862915 (VCV004862915.1).

ClinVar aggregate classification (germline): Uncertain significance (1 of 4 stars; one submission).

gnomAD v4.1: 1 of 1,587,622 alleles (0.000063%); highest among the groups gnomAD compares: African/African-American, 0.0014%; no homozygotes.

Submission:

Ambry Genetics
Classification: Uncertain significance. Last evaluated: 2026-06-08. Review status: criteria provided, single submitter. Criteria: Ambry Variant Classification Scheme 2023. Collection method: clinical testing. Allele origin: germline.
Comment: The c.452G>T variant (also known as p.R151I), located in coding exon 4 of the RAD51B gene, results from a G to T substitution at nucleotide position 452. The amino acid change results in arginine to isoleucine at codon 151, an amino acid with similar properties. However, this change occurs in the last base pair of coding exon 4, which makes it likely to have some effect on normal mRNA splicing. This nucleotide position is highly conserved in available vertebrate species. This amino acid position is highly conserved in available vertebrate species. In silico splice site analysis predicts that this alteration may weaken the native splice donor site. In addition, as a missense substitution this alteration is predicted to be deleterious by in silico analysis. The evidence for this gene-disease relationship is limited; therefore, the clinical significance of this variant is unclear.